The following is an entry in ClinVar:

ClinVar aggregate classification (germline): Uncertain significance (1 of 4 stars; one submission).

gnomAD v4.1: 28 of 1,614,126 alleles (0.0017%); highest among the groups gnomAD compares: South Asian, 0.0033%; no homozygotes.

Submission:

Labcorp Genetics (formerly Invitae), Labcorp
Classification: Uncertain significance. Last evaluated: 2024-05-31. Review status: criteria provided, single submitter. Criteria: Invitae Variant Classification Sherloc (09022015). Collection method: clinical testing. Allele origin: germline.
Comment: This sequence change replaces arginine, which is basic and polar, with tryptophan, which is neutral and slightly polar, at codon 2565 of the DNAH9 protein (p.Arg2565Trp). This variant is present in population databases (rs756091562, gnomAD 0.006%). This variant has not been reported in the literature in individuals affected with DNAH9-related conditions. Advanced modeling of protein sequence and biophysical properties (such as structural, functional, and spatial information, amino acid conservation, physicochemical variation, residue mobility, and thermodynamic stability) performed at Invitae indicates that this missense variant is expected to disrupt DNAH9 protein function with a positive predictive value of 80%. In summary, the available evidence is currently insufficient to determine the role of this variant in disease. Therefore, it has been classified as a Variant of Uncertain Significance.

NM_001372.4(DNAH9):c.7693C>T (p.Arg2565Trp)

Gene: DNAH9 (dynein axonemal heavy chain 9; plus strand). Cytogenetic location: 17p12.
Variant type: single nucleotide variant.
Coding change: c.7693C>T on transcript NM_001372.4 (MANE Select); coding-DNA position 7693, C replaced by T.
Protein change: p.Arg2565Trp; replaces arginine 2565 with tryptophan.
Molecular consequence: missense variant.
Genome position (GRCh38, 1-based): chr17:11,781,149, C>T. VCF-style: chr17-11781149-C-T. GRCh37 (hg19) VCF-style: chr17-11684466-C-T.
Other names: short protein forms R2565W.
Identifiers: ClinVar variation 3716722 (VCV003716722.2).
Genomic context (GRCh38, chr17:11,781,149, plus strand): 5'-GATGACATGAACATGCCTGAGGTGGATGCCTACGGGACGGTGCAGCCCCACACCATCATC[C>T]GGCAGCATCTGGACTATGGCCACTGGTAAGAGCGCCCATGTAGAGGGACTGGCCCAAGGG-3'
Protein context (NP_001363.2, residues 2555-2575): YGTVQPHTII[Arg2565Trp]QHLDYGHWYD